The following is an entry in ClinVar:

ClinVar aggregate classification (germline): Pathogenic (1 of 4 stars; one submission).

Conditions:
Fanconi anemia (FA). Also called: Fanconi's anemia. Identifiers: Orphanet 84, MedGen C0015625, MeSH D005199, MONDO:0019391.

Submission:

Labcorp Genetics (formerly Invitae), Labcorp
Classification: Pathogenic for Fanconi anemia. Last evaluated: 2023-11-20. Review status: criteria provided, single submitter. Criteria: Invitae Variant Classification Sherloc (09022015). Collection method: clinical testing. Allele origin: germline.
Comment: This sequence change creates a premature translational stop signal (p.Arg1055Glnfs*17) in the FANCA gene. It is expected to result in an absent or disrupted protein product. Loss-of-function variants in FANCA are known to be pathogenic (PMID: 19367192). This variant is not present in population databases (gnomAD no frequency). This variant has not been reported in the literature in individuals affected with FANCA-related conditions. For these reasons, this variant has been classified as Pathogenic.

Literature cited by the submitters: PubMed 19367192.

NM_000135.4(FANCA):c.3164_3179del (p.Arg1055fs)

Gene: FANCA (FA complementation group A; minus strand). Cytogenetic location: 16q24.3.
Variant type: Deletion.
Coding change: c.3164_3179del on transcript NM_000135.4 (MANE Select); coding-DNA positions 3164 to 3179, 16 bases deleted (GGCTCCAGGCTCTGAC).
Protein change: p.Arg1055fs; shifts the reading frame from arginine 1055.
Molecular consequence: frameshift variant.
Genome position (GRCh38, 1-based): chr16:89,749,790-89,749,805, GTCAGAGCCTGGAGCC deleted on the plus strand (GGCTCCAGGCTCTGAC on the coding strand, the reverse complement: FANCA is on the minus strand); deleting any 16 consecutive bases within chr16:89,749,790-89,749,808 gives the same sequence; the c. name uses the placement nearest the transcript's 3' end. VCF-style (leftmost placement, unchanged base first): chr16-89749789-TGTCAGAGCCTGGAGCC-T. GRCh37 (hg19) VCF-style: chr16-89816197-TGTCAGAGCCTGGAGCC-T.
Other names: c.3164_3179del, p.Arg1055fs (NM_001286167.3); short protein forms R1055fs.
Identifiers: ClinVar variation 2760977 (VCV002760977.3), dbSNP rs2544129886, ClinGen allele CA2697556061.